The following is an entry in ClinVar:

ClinVar aggregate classification (germline): Uncertain significance. Review status: criteria provided, multiple submitters, no conflicts (2 of 4 stars). 3 submissions from 3 submitters: Uncertain significance (3). Last evaluated 2026-01-23.

Allele frequency attached by ClinVar (database versions not stated): gnomAD 0.00003 and 0.00004; TOPMed 0.00003.
gnomAD v4.1: 30 of 1,606,174 alleles (0.0019%); highest among the groups gnomAD compares: East Asian, 0.0067%; no homozygotes.

Submissions (3):

Labcorp Genetics (formerly Invitae), Labcorp
Classification: Uncertain significance. Last evaluated: 2026-01-23. Review status: criteria provided, single submitter. Criteria: Invitae Variant Classification Sherloc (09022015). Collection method: clinical testing. Allele origin: germline.
Comment: This sequence change replaces glycine, which is neutral and non-polar, with arginine, which is basic and polar, at codon 8 of the RAX2 protein (p.Gly8Arg). This variant is present in population databases (rs758091449, gnomAD 0.007%). This variant has not been reported in the literature in individuals affected with RAX2-related conditions. ClinVar contains an entry for this variant (Variation ID: 866332). An algorithm developed to predict the effect of missense changes on protein structure and function (PolyPhen-2) suggests that this variant is likely to be disruptive. In summary, the available evidence is currently insufficient to determine the role of this variant in disease. Therefore, it has been classified as a Variant of Uncertain Significance.

Blueprint Genetics
Classification: Uncertain significance. Last evaluated: 2024-11-15. Review status: criteria provided, single submitter. Criteria: ACMG Guidelines, 2015. Collection method: clinical testing. Allele origin: germline.

Ambry Genetics
Classification: Uncertain significance. Last evaluated: 2023-08-22. Review status: criteria provided, single submitter. Criteria: Ambry Variant Classification Scheme 2023. Collection method: clinical testing. Allele origin: germline.

NM_001319074.4(RAX2):c.22G>A (p.Gly8Arg)

Gene: RAX2 (retina and anterior neural fold homeobox 2; minus strand). Cytogenetic location: 19p13.3.
Variant type: single nucleotide variant.
Coding change: c.22G>A on transcript NM_001319074.4 (MANE Select); coding-DNA position 22, G replaced by A.
Protein change: p.Gly8Arg; replaces glycine 8 with arginine.
Molecular consequence: missense variant.
Genome position (GRCh38, 1-based): chr19:3,771,721, C>T on the plus strand (G>A on the coding strand, the complement: RAX2 is on the minus strand). VCF-style: chr19-3771721-C-T. GRCh37 (hg19) VCF-style: chr19-3771719-C-T.
Other names: c.22G>A, p.Gly8Arg (NM_032753.4); short protein forms G8R.
Identifiers: ClinVar variation 866332 (VCV000866332.12), dbSNP rs758091449, ClinGen allele CA9085141.